The following is an entry in ClinVar:

ClinVar aggregate classification (germline): Pathogenic (1 of 4 stars; one submission).

Conditions:
LAMA2-related muscular dystrophy (LAMA2-RD). Also called: Laminin alpha 2-related dystrophy. Identifiers: MedGen C5679788, MONDO:0100228.

Submission:

Myriad Genetics, Inc.
Classification: Pathogenic for LAMA2-related muscular dystrophy. Last evaluated: 2026-02-19. Review status: criteria provided, single submitter. Criteria: Myriad Autosomal Dominant, Autosomal Recessive and X-Linked Classification Criteria (2023). Collection method: clinical testing. Allele origin: unknown.
Comment: NM_000426.3(LAMA2):c.8675_8678dupTCAA(Y2894Qfs*13) is expected to be pathogenic in the context of muscular dystrophy, LAMA2-related. This variant is predicted to lead to an abnormal or absent protein product due to the creation of a premature termination codon in LAMA2, a gene where loss-of-function variants are known to be pathogenic. Please note: this variant was assessed in the context of healthy population screening.

NM_000426.4(LAMA2):c.8675_8678dup (p.Tyr2894fs)

Gene: LAMA2 (laminin subunit alpha 2; plus strand). Cytogenetic location: 6q22.33.
Variant type: Duplication.
Coding change: c.8675_8678dup on transcript NM_000426.4 (MANE Select); coding-DNA positions 8675 to 8678, 4 bases duplicated (TCAA; older notation c.8675_8678dupTCAA).
Protein change: p.Tyr2894fs; shifts the reading frame from tyrosine 2894.
Molecular consequence: frameshift variant.
Genome position (GRCh38, 1-based): chr6:129,505,327-129,505,330, TCAA duplicated; duplicating any 4 consecutive bases within chr6:129,505,326-129,505,330 gives the same sequence; the c. name uses the placement nearest the transcript's 3' end. VCF-style (leftmost placement, unchanged base first): chr6-129505325-C-CATCA. GRCh37 (hg19) VCF-style: chr6-129826470-C-CATCA.
Other names: c.8663_8666dup, p.Tyr2890fs (NM_001079823.2); short protein forms Y2890fs, Y2894fs.
Identifiers: ClinVar variation 5015576 (VCV005015576.1).